The following is an entry in ClinVar:

NM_024675.4(PALB2):c.65C>T (p.Ala22Val)

Gene: PALB2 (partner and localizer of BRCA2; minus strand). Cytogenetic location: 16p12.2.
Variant type: single nucleotide variant.
Coding change: c.65C>T on transcript NM_024675.4 (MANE Select); coding-DNA position 65, C replaced by T.
Protein change: p.Ala22Val; replaces alanine 22 with valine.
Molecular consequence: missense variant.
Genome position (GRCh38, 1-based): chr16:23,638,113, G>A on the plus strand (C>T on the coding strand, the complement: PALB2 is on the minus strand). VCF-style: chr16-23638113-G-A. GRCh37 (hg19) VCF-style: chr16-23649434-G-A.
Other names: short protein forms A22V.
Identifiers: ClinVar variation 830087 (VCV000830087.13), dbSNP rs1967112519, ClinGen allele CA395139867.

ClinVar aggregate classification (germline): Uncertain significance. Review status: criteria provided, multiple submitters, no conflicts (2 of 4 stars). 3 submissions from 3 submitters: Uncertain significance (2). 1 of the submissions does not count toward it. Last evaluated 2025-09-14.

Conditions:
Familial cancer of breast. Also called: BREAST CANCER, FAMILIAL; Hereditary breast cancer; hereditary breast carcinoma. Identifiers: Orphanet 227535, MedGen C0346153, MONDO:0016419, OMIM 114480. Disease mechanism: loss of function.
Hereditary cancer-predisposing syndrome. Also called: Hereditary neoplastic syndrome; Neoplastic Syndromes, Hereditary; Tumor predisposition; Hereditary Cancer Syndrome. Identifiers: Orphanet 140162, MedGen C0027672, MeSH D009386, MONDO:0015356.

Submissions (3):

Labcorp Genetics (formerly Invitae), Labcorp
Classification: Uncertain significance for Familial cancer of breast. Last evaluated: 2025-09-14. Review status: criteria provided, single submitter. Criteria: Invitae Variant Classification Sherloc (09022015). Collection method: clinical testing. Allele origin: germline.
Comment: This sequence change replaces alanine, which is neutral and non-polar, with valine, which is neutral and non-polar, at codon 22 of the PALB2 protein (p.Ala22Val). This variant is not present in population databases (gnomAD no frequency). This missense change has been observed in individual(s) with breast or ovarian cancer (PMID: 26315354, 30287823). ClinVar contains an entry for this variant (Variation ID: 830087). An algorithm developed to predict the effect of missense changes on protein structure and function (PolyPhen-2) suggests that this variant is likely to be disruptive. In summary, the available evidence is currently insufficient to determine the role of this variant in disease. Therefore, it has been classified as a Variant of Uncertain Significance.

Ambry Genetics
Classification: Uncertain significance for Hereditary cancer-predisposing syndrome. Last evaluated: 2022-08-30. Review status: criteria provided, single submitter. Criteria: Ambry Variant Classification Scheme 2023. Collection method: clinical testing. Allele origin: germline.
Comment: The p.A22V variant (also known as c.65C>T), located in coding exon 2 of the PALB2 gene, results from a C to T substitution at nucleotide position 65. The alanine at codon 22 is replaced by valine, an amino acid with similar properties. In one study, this alteration was observed in 1/3,236 cases with invasive epithelial ovarian cancer and 0/3,431 controls (Ramus SJ et al. J Natl Cancer Inst, 2015 Nov;107). This amino acid position is well conserved in available vertebrate species. In addition, this alteration is predicted to be tolerated by in silico analysis. Since supporting evidence is limited at this time, the clinical significance of this alteration remains unclear.

Leiden Open Variation Database
Classification: Uncertain significance. Last evaluated: 2018-10-10. Review status: no assertion criteria provided. Collection method: curation. Allele origin: germline. Affected: yes. Not counted in ClinVar's aggregate classification.
Comment: Curators: Marc Tischkowitz, Arleen D. Auerbach. Submitter to LOVD: Yukihide Momozawa.

Literature cited by the submitters: PubMed 26315354 (cited by Labcorp Genetics (formerly Invitae), Labcorp and Ambry Genetics); PubMed 30287823 (cited by 3 submitters).